The following is an entry in ClinVar:

ClinVar aggregate classification (germline): Uncertain significance. Review status: criteria provided, multiple submitters, no conflicts (2 of 4 stars). 2 submissions from 2 submitters: Uncertain significance (2). Last evaluated 2024-12-09.

Conditions:
Hermansky-Pudlak syndrome 3 (HPS3). Identifiers: Orphanet 231512, Orphanet 79430, MedGen C3888001, MONDO:0013555, OMIM 614072.

Allele frequency attached by ClinVar (database versions not stated): 1000 Genomes Project 30x 0.00016; 1000 Genomes Project 0.00020.
gnomAD v4.1: 17 of 1,613,726 alleles (0.0011%); highest among the groups gnomAD compares: African/African-American, 0.023%; no homozygotes.

Submissions (2):

Labcorp Genetics (formerly Invitae), Labcorp
Classification: Uncertain significance. Last evaluated: 2024-12-09. Review status: criteria provided, single submitter. Criteria: Invitae Variant Classification Sherloc (09022015). Collection method: clinical testing. Allele origin: germline.
Comment: This sequence change replaces proline, which is neutral and non-polar, with arginine, which is basic and polar, at codon 916 of the HPS3 protein (p.Pro916Arg). This variant is present in population databases (rs186659271, gnomAD 0.02%). This variant has not been reported in the literature in individuals affected with HPS3-related conditions. ClinVar contains an entry for this variant (Variation ID: 2083493). Invitae Evidence Modeling of protein sequence and biophysical properties (such as structural, functional, and spatial information, amino acid conservation, physicochemical variation, residue mobility, and thermodynamic stability) indicates that this missense variant is expected to disrupt HPS3 protein function with a positive predictive value of 80%. In summary, the available evidence is currently insufficient to determine the role of this variant in disease. Therefore, it has been classified as a Variant of Uncertain Significance.

Revvity Omics, Revvity
Classification: Uncertain significance for Hermansky-Pudlak syndrome 3. Last evaluated: 2023-11-21. Review status: criteria provided, single submitter. Criteria: ACMG Guidelines, 2015. Collection method: clinical testing. Allele origin: germline.

NM_032383.5(HPS3):c.2747C>G (p.Pro916Arg)

Genes: CP (ceruloplasmin; minus strand), HPS3 (HPS3 biogenesis of lysosomal organelles complex 2 subunit 1; plus strand). Cytogenetic location: 3q24.
Variant type: single nucleotide variant.
Coding change: c.2747C>G on transcript NM_032383.5 (MANE Select); coding-DNA position 2747, C replaced by G.
Protein change: p.Pro916Arg; replaces proline 916 with arginine.
Molecular consequence: missense variant.
Genome position (GRCh38, 1-based): chr3:149,167,191, C>G. VCF-style: chr3-149167191-C-G. GRCh37 (hg19) VCF-style: chr3-148884978-C-G.
Other names: c.2252C>G, p.Pro751Arg (NM_001308258.2); short protein forms P751R, P916R.
Identifiers: ClinVar variation 2083493 (VCV002083493.4), dbSNP rs186659271, ClinGen allele CA2660449.